The following is an entry in ClinVar:

ClinVar aggregate classification (germline): Uncertain significance (1 of 4 stars; one submission).

gnomAD v4.1: 28 of 1,614,080 alleles (0.0017%); highest among the groups gnomAD compares: African/African-American, 0.004%; no homozygotes.

Submission:

Labcorp Genetics (formerly Invitae), Labcorp
Classification: Uncertain significance. Last evaluated: 2024-10-30. Review status: criteria provided, single submitter. Criteria: Invitae Variant Classification Sherloc (09022015). Collection method: clinical testing. Allele origin: germline.
Comment: This sequence change replaces histidine, which is basic and polar, with arginine, which is basic and polar, at codon 1448 of the DUOX2 protein (p.His1448Arg). This variant is present in population databases (no rsID available, gnomAD 0.004%). This variant has not been reported in the literature in individuals affected with DUOX2-related conditions. Invitae Evidence Modeling of protein sequence and biophysical properties (such as structural, functional, and spatial information, amino acid conservation, physicochemical variation, residue mobility, and thermodynamic stability) indicates that this missense variant is expected to disrupt DUOX2 protein function with a positive predictive value of 95%. In summary, the available evidence is currently insufficient to determine the role of this variant in disease. Therefore, it has been classified as a Variant of Uncertain Significance.

NM_001363711.2(DUOX2):c.4343A>G (p.His1448Arg)

Gene: DUOX2 (dual oxidase 2; minus strand). Cytogenetic location: 15q21.1.
Variant type: single nucleotide variant.
Coding change: c.4343A>G on transcript NM_001363711.2 (MANE Select); coding-DNA position 4343, A replaced by G.
Protein change: p.His1448Arg; replaces histidine 1448 with arginine.
Molecular consequence: missense variant.
Genome position (GRCh38, 1-based): chr15:45,094,988, T>C on the plus strand (A>G on the coding strand, the complement: DUOX2 is on the minus strand). VCF-style: chr15-45094988-T-C. GRCh37 (hg19) VCF-style: chr15-45387186-T-C.
Other names: c.4343A>G, p.His1448Arg (NM_014080.5); short protein forms H1448R.
Identifiers: ClinVar variation 3683299 (VCV003683299.2).